The following is an entry in ClinVar:

ClinVar aggregate classification (germline): Uncertain significance (1 of 4 stars; one submission).

Conditions:
Ellis-van Creveld syndrome (EVC). Also called: EVC-Related Ellis-van Creveld Syndrome; EVC2-Related Ellis-van Creveld Syndrome; MESOECTODERMAL DYSPLASIA; Chondroectodermal dysplasia. Identifiers: Orphanet 289, MedGen C0013903, MONDO:0009162, OMIM 225500.
Curry-Hall syndrome (WAD). Also called: WEYERS ACRODENTAL DYSOSTOSIS. Identifiers: Orphanet 952, MedGen C0457013, MONDO:0008673, OMIM 193530.

Submission:

Labcorp Genetics (formerly Invitae), Labcorp
Classification: Uncertain significance for Curry-Hall syndrome; Ellis-van Creveld syndrome. Last evaluated: 2025-11-23. Review status: criteria provided, single submitter. Criteria: Invitae Variant Classification Sherloc (09022015). Collection method: clinical testing. Allele origin: germline.
Comment: This sequence change falls in intron 19 of the EVC2 gene. It does not directly change the encoded amino acid sequence of the EVC2 protein. This variant is not present in population databases (gnomAD no frequency). This variant has not been reported in the literature in individuals affected with EVC2-related conditions. Algorithms developed to predict the effect of sequence changes on RNA splicing suggest that this variant may create or strengthen a splice site. In summary, the available evidence is currently insufficient to determine the role of this variant in disease. Therefore, it has been classified as a Variant of Uncertain Significance.

NM_147127.5(EVC2):c.3360+12C>A

Gene: EVC2 (EvC ciliary complex subunit 2; minus strand). Cytogenetic location: 4p16.2.
Variant type: single nucleotide variant.
Coding change: c.3360+12C>A on transcript NM_147127.5 (MANE Select); 12 bases into the intron after coding-DNA position 3360, C replaced by A.
Molecular consequence: intron variant.
Genome position (GRCh38, 1-based): chr4:5,574,673, G>T on the plus strand (C>A on the coding strand, the complement: EVC2 is on the minus strand). VCF-style: chr4-5574673-G-T. GRCh37 (hg19) VCF-style: chr4-5576400-G-T.
Other names: c.3120+12C>A (NM_001166136.2).
Identifiers: ClinVar variation 4791550 (VCV004791550.1).